The following is an entry in ClinVar:

NM_018191.4(RCBTB1):c.146A>G (p.Asn49Ser)

Gene: RCBTB1 (RCC1 and BTB domain containing protein 1; minus strand). Cytogenetic location: 13q14.2.
Variant type: single nucleotide variant.
Coding change: c.146A>G on transcript NM_018191.4 (MANE Select); coding-DNA position 146, A replaced by G.
Protein change: p.Asn49Ser; replaces asparagine 49 with serine.
Molecular consequence: missense variant. On other transcripts: 5 prime UTR variant (1), non-coding transcript variant (2).
Genome position (GRCh38, 1-based): chr13:49,566,749, T>C on the plus strand (A>G on the coding strand, the complement: RCBTB1 is on the minus strand). VCF-style: chr13-49566749-T-C. GRCh37 (hg19) VCF-style: chr13-50140885-T-C.
Other names: c.146A>G, p.Asn49Ser (NM_001352500.2, NM_001352501.2, NM_001352502.2 and 3 more transcripts); c.-464A>G (NM_001352506.2); c.146A>G (NM_018191.3); short protein forms N49S.
Identifiers: ClinVar variation 1020001 (VCV001020001.10), dbSNP rs376586330, ClinGen allele CA6982975.

ClinVar aggregate classification (germline): Uncertain significance. Review status: criteria provided, multiple submitters, no conflicts (2 of 4 stars). 4 submissions from 4 submitters: Uncertain significance (3). 1 of the submissions does not count toward it. Last evaluated 2025-08-26.

Conditions:
Retinal dystrophy. Also called: Inherited retinal dystrophy. Identifiers: Orphanet 71862, MedGen C0854723, MeSH D058499, MONDO:0019118, HP:0000556.

Allele frequency attached by ClinVar (database versions not stated): gnomAD exomes 0.00008 and 0.00011; TOPMed 0.00008; ExAC 0.00010; ESP Exome Variant Server 0.00015.
gnomAD v4.1: 134 of 1,611,026 alleles (0.0083%); highest among the groups gnomAD compares: South Asian, 0.0089%; no homozygotes.

Submissions (4):

Ambry Genetics
Classification: Uncertain significance. Last evaluated: 2025-08-26. Review status: criteria provided, single submitter. Criteria: Ambry Variant Classification Scheme 2023. Collection method: clinical testing. Allele origin: germline.

Blueprint Genetics
Classification: Uncertain significance. Last evaluated: 2024-10-04. Review status: criteria provided, single submitter. Criteria: ACMG Guidelines, 2015. Collection method: clinical testing. Allele origin: germline.

Labcorp Genetics (formerly Invitae), Labcorp
Classification: Uncertain significance. Last evaluated: 2022-09-01. Review status: criteria provided, single submitter. Criteria: Invitae Variant Classification Sherloc (09022015). Collection method: clinical testing. Allele origin: germline.
Comment: This sequence change replaces asparagine, which is neutral and polar, with serine, which is neutral and polar, at codon 49 of the RCBTB1 protein (p.Asn49Ser). This variant is present in population databases (rs376586330, gnomAD 0.09%). This variant has not been reported in the literature in individuals affected with RCBTB1-related conditions. ClinVar contains an entry for this variant (Variation ID: 1020001). Algorithms developed to predict the effect of missense changes on protein structure and function are either unavailable or do not agree on the potential impact of this missense change (SIFT: "Deleterious"; PolyPhen-2: "Probably Damaging"; Align-GVGD: "Class C0"). In summary, the available evidence is currently insufficient to determine the role of this variant in disease. Therefore, it has been classified as a Variant of Uncertain Significance.

Institute of Human Genetics, Univ. Regensburg, Univ. Regensburg
Classification: Uncertain significance for Retinal dystrophy. Last evaluated: 2023-01-01. Review status: no assertion criteria provided. Criteria: ACMG Guidelines, 2015. Collection method: clinical testing. Allele origin: germline. Affected: yes. Not counted in ClinVar's aggregate classification.